The following is an entry in ClinVar:

NM_001379500.1(COL18A1):c.2729G>A (p.Gly910Glu)

Genes: COL18A1 (collagen type XVIII alpha 1 chain; plus strand), SLC19A1 (solute carrier family 19 member 1; minus strand). Cytogenetic location: 21q22.3.
Variant type: single nucleotide variant.
Coding change: c.2729G>A on transcript NM_001379500.1 (MANE Select); coding-DNA position 2729, G replaced by A.
Protein change: p.Gly910Glu; replaces glycine 910 with glutamic acid.
Molecular consequence: missense variant.
Genome position (GRCh38, 1-based): chr21:45,504,417, G>A. VCF-style: chr21-45504417-G-A. GRCh37 (hg19) VCF-style: chr21-46924331-G-A.
Other names: c.3269G>A, p.Gly1090Glu (NM_030582.4); c.3974G>A, p.Gly1325Glu (NM_130444.3); short protein forms G1325E, G910E, G1090E.
Identifiers: ClinVar variation 2038252 (VCV002038252.3), dbSNP rs756140105, ClinGen allele CA10067442.

ClinVar aggregate classification (germline): Uncertain significance (1 of 4 stars; one submission).

Allele frequency attached by ClinVar (database versions not stated): gnomAD exomes below 0.00001; TOPMed below 0.00001; ExAC 0.00002.
gnomAD v4.1: 1 of 1,611,522 alleles (0.000062%); highest among the groups gnomAD compares: South Asian, 0.0011%; no homozygotes.

Submission:

Labcorp Genetics (formerly Invitae), Labcorp
Classification: Uncertain significance. Last evaluated: 2022-08-23. Review status: criteria provided, single submitter. Criteria: Invitae Variant Classification Sherloc (09022015). Collection method: clinical testing. Allele origin: germline.
Comment: In summary, the available evidence is currently insufficient to determine the role of this variant in disease. Therefore, it has been classified as a Variant of Uncertain Significance. Experimental studies and prediction algorithms are not available or were not evaluated, and the functional significance of this variant is currently unknown. This variant has not been reported in the literature in individuals affected with COL18A1-related conditions. This variant is present in population databases (rs756140105, gnomAD 0.01%). This sequence change replaces glycine, which is neutral and non-polar, with glutamic acid, which is acidic and polar, at codon 910 of the COL18A1 protein (p.Gly910Glu).